The following is an entry in ClinVar:

ClinVar aggregate classification (germline): Uncertain significance. Review status: criteria provided, multiple submitters, no conflicts (2 of 4 stars). 2 submissions from 2 submitters: Uncertain significance (2). Last evaluated 2025-09-10.

Conditions:
Usher syndrome type 1 (USH1). Also called: RETINITIS PIGMENTOSA AND CONGENITAL DEAFNESS. Identifiers: Orphanet 231169, Orphanet 886, MedGen C1568247, MONDO:0010168, OMIM 276900.

Allele frequency attached by ClinVar (database versions not stated): TOPMed below 0.00001; gnomAD 0.00001; gnomAD exomes 0.00002.

Submissions (2):

Myriad Genetics, Inc.
Classification: Uncertain significance for Usher syndrome type 1. Last evaluated: 2025-09-10. Review status: criteria provided, single submitter. Criteria: Myriad Autosomal Dominant, Autosomal Recessive and X-Linked Classification Criteria (2023). Collection method: clinical testing. Allele origin: unknown.
Comment: NM_000260.3(MYO7A):c.5201T>C(M1734T) is a missense variant classified as a variant of uncertain significance in the context of MYO7A-related disorders. M1734T has been observed in cases with relevant disease (PMID: 34599366). Relevant functional assessments of this variant are not available in the literature. M1734T has been observed in referenced population frequency databases. In summary, there is insufficient evidence to classify NM_000260.3(MYO7A):c.5201T>C(M1734T) as pathogenic or benign. Please note: this variant was assessed in the context of healthy population screening.

Labcorp Genetics (formerly Invitae), Labcorp
Classification: Uncertain significance. Last evaluated: 2023-12-10. Review status: criteria provided, single submitter. Criteria: Invitae Variant Classification Sherloc (09022015). Collection method: clinical testing. Allele origin: germline.
Comment: This sequence change replaces methionine, which is neutral and non-polar, with threonine, which is neutral and polar, at codon 1734 of the MYO7A protein (p.Met1734Thr). This variant is not present in population databases (gnomAD no frequency). This variant has not been reported in the literature in individuals affected with MYO7A-related conditions. Advanced modeling of protein sequence and biophysical properties (such as structural, functional, and spatial information, amino acid conservation, physicochemical variation, residue mobility, and thermodynamic stability) performed at Invitae indicates that this missense variant is not expected to disrupt MYO7A protein function with a negative predictive value of 95%. In summary, the available evidence is currently insufficient to determine the role of this variant in disease. Therefore, it has been classified as a Variant of Uncertain Significance.

Literature cited by the submitters: PubMed 34599366 (cited by Myriad Genetics, Inc.).

NM_000260.4(MYO7A):c.5201T>C (p.Met1734Thr)

Gene: MYO7A (myosin VIIA; plus strand). Cytogenetic location: 11q13.5.
Variant type: single nucleotide variant.
Coding change: c.5201T>C on transcript NM_000260.4 (MANE Select); coding-DNA position 5201, T replaced by C.
Protein change: p.Met1734Thr; replaces methionine 1734 with threonine.
Molecular consequence: missense variant.
Genome position (GRCh38, 1-based): chr11:77,203,092, T>C. VCF-style: chr11-77203092-T-C. GRCh37 (hg19) VCF-style: chr11-76914137-T-C.
Other names: c.5087T>C, p.Met1696Thr (NM_001127180.2); c.5054T>C, p.Met1685Thr (NM_001369365.1); short protein forms M1685T, M1696T, M1734T.
Identifiers: ClinVar variation 2732750 (VCV002732750.2), dbSNP rs1362343416, ClinGen allele CA381952071.